The following is an entry in ClinVar:

ClinVar aggregate classification (germline): Benign. Review status: criteria provided, multiple submitters, no conflicts (2 of 4 stars). 2 submissions from 2 submitters: Benign (2). Last evaluated 2018-01-12.

Conditions:
CFH-Related Dense Deposit Disease / Membranoproliferative Glomerulonephritis Type II. Identifiers: MedGen CN071292.

Allele frequency attached by ClinVar (database versions not stated): 1000 Genomes Project 0.27776; gnomAD 0.38442 and 0.38075; TOPMed 0.36627; 1000 Genomes Project 30x 0.27592.

Submissions (2):

Illumina Laboratory Services, Illumina
Classification: Benign for Membranoproliferative glomerulonephritis with complement factor h deficiency. Last evaluated: 2018-01-12. Review status: criteria provided, single submitter. Criteria: ICSL Variant Classification Criteria 13 December 2019. Collection method: clinical testing. Allele origin: germline.
Comment: This variant was observed in the ICSL laboratory as part of a predisposition screen in an ostensibly healthy population. It had not been previously curated by ICSL or reported in the Human Gene Mutation Database (HGMD: prior to June 1st, 2018), and was therefore a candidate for classification through an automated scoring system. Utilizing variant allele frequency, disease prevalence and penetrance estimates, and inheritance mode, an automated score was calculated to assess if this variant is too frequent to cause the disease. Based on the score and internal cut-off values, a variant classified as benign is not then subjected to further curation. The score for this variant resulted in a classification of benign for this disease.

Breakthrough Genomics
Classification: Benign. Review status: criteria provided, single submitter. Criteria: ACMG Guidelines, 2015. Collection method: not provided. Allele origin: germline. Inheritance: Autosomal dominant inheritance. Affected: yes.

NM_030787.4(CFHR5):c.*802T>G

Gene: CFHR5 (complement factor H related 5; plus strand). Cytogenetic location: 1q31.3.
Variant type: single nucleotide variant.
Coding change: c.*802T>G on transcript NM_030787.4 (MANE Select); 802 bases downstream of the stop codon, T replaced by G.
Molecular consequence: 3 prime UTR variant.
Genome position (GRCh38, 1-based): chr1:197,009,485, T>G. VCF-style: chr1-197009485-T-G. GRCh37 (hg19) VCF-style: chr1-196978615-T-G.
Identifiers: ClinVar variation 294562 (VCV000294562.6), dbSNP rs10922153, ClinGen allele CA10608679.